The following is an entry in ClinVar:

ClinVar aggregate classification (germline): Uncertain significance. Review status: criteria provided, multiple submitters, no conflicts (2 of 4 stars). 2 submissions from 2 submitters: Uncertain significance (2). Last evaluated 2024-06-04.

Allele frequency attached by ClinVar (database versions not stated): ExAC 0.00001; gnomAD 0.00001; TOPMed 0.00002; ESP Exome Variant Server 0.00008.
gnomAD v4.1: 3 of 1,610,422 alleles (0.00019%); highest among the groups gnomAD compares: Non-Finnish European, 0.00025%; no homozygotes.

Submissions (2):

Labcorp Genetics (formerly Invitae), Labcorp
Classification: Uncertain significance. Last evaluated: 2024-06-04. Review status: criteria provided, single submitter. Criteria: Invitae Variant Classification Sherloc (09022015). Collection method: clinical testing. Allele origin: germline.
Comment: This sequence change falls in intron 12 of the LZTR1 gene. It does not directly change the encoded amino acid sequence of the LZTR1 protein. This variant is present in population databases (rs371174047, gnomAD 0.0009%). This variant has not been reported in the literature in individuals affected with LZTR1-related conditions. Algorithms developed to predict the effect of sequence changes on RNA splicing suggest that this variant may disrupt the consensus splice site. In summary, the available evidence is currently insufficient to determine the role of this variant in disease. Therefore, it has been classified as a Variant of Uncertain Significance.

GeneDx
Classification: Uncertain significance. Last evaluated: 2023-11-08. Review status: criteria provided, single submitter. Criteria: GeneDx Variant Classification Process June 2021. Collection method: clinical testing. Allele origin: germline. Affected: yes.
Comment: Not observed at significant frequency in large population cohorts (gnomAD); Has not been previously published as pathogenic or benign to our knowledge; In silico analysis is inconclusive as to whether the variant alters gene splicing. In the absence of RNA/functional studies, the actual effect of this sequence change is unknown.

NM_006767.4(LZTR1):c.1354-11T>A

Gene: LZTR1 (leucine zipper like post translational regulator 1; plus strand). Cytogenetic location: 22q11.21.
Variant type: single nucleotide variant.
Coding change: c.1354-11T>A on transcript NM_006767.4 (MANE Select); 11 bases into the intron before coding-DNA position 1354, T replaced by A.
Molecular consequence: intron variant.
Genome position (GRCh38, 1-based): chr22:20,993,913, T>A. VCF-style: chr22-20993913-T-A. GRCh37 (hg19) VCF-style: chr22-21348202-T-A.
Identifiers: ClinVar variation 2884946 (VCV002884946.3), dbSNP rs371174047, ClinGen allele CA10118851.